The following is an entry in ClinVar:

NM_012431.3(SEMA3E):c.781G>C (p.Ala261Pro)

Gene: SEMA3E (semaphorin 3E; minus strand). Cytogenetic location: 7q21.11.
Variant type: single nucleotide variant.
Coding change: c.781G>C on transcript NM_012431.3 (MANE Select); coding-DNA position 781, G replaced by C.
Protein change: p.Ala261Pro; replaces alanine 261 with proline.
Molecular consequence: missense variant.
Genome position (GRCh38, 1-based): chr7:83,407,129, C>G on the plus strand (G>C on the coding strand, the complement: SEMA3E is on the minus strand). VCF-style: chr7-83407129-C-G. GRCh37 (hg19) VCF-style: chr7-83036445-C-G.
Other names: c.601G>C, p.Ala201Pro (NM_001178129.2); short protein forms A261P, A201P.
Identifiers: ClinVar variation 2202805 (VCV002202805.4), dbSNP rs773917768, ClinGen allele CA4322217.
Genomic context (GRCh38, chr7:83,407,129, plus strand): 5'-GCAAGCATAATGAGAGAGAAAGCCTCACCACACAGAGTCGCCCGACCCTGGTGTAAATTG[C>G]GTGAGCATTGTTTTCTGCCTCCAGTGCCTTCTCAGTAAAAAAGAAATATACTTTGTTGTC-3'
Protein context (NP_036563.1, residues 251-271): KALEAENNAH[Ala261Pro]IYTRVGRLCV

ClinVar aggregate classification (germline): Uncertain significance (1 of 4 stars; one submission).

Conditions:
CHARGE syndrome (CHARGE). Also called: Hittner Hirsch Kreh syndrome; CHARGE ASSOCIATION--COLOBOMA, HEART ANOMALY, CHOANAL ATRESIA, RETARDATION, GENITAL AND EAR ANOMALIES; Coloboma, heart anomaly, choanal atresia, retardation, genital and ear anomalies; CHARGE association; Hall-Hittner syndrome. Identifiers: Orphanet 138, MedGen C0265354, MONDO:0008965.

gnomAD v4.1: 2 of 1,613,342 alleles (0.00012%); highest among the groups gnomAD compares: East Asian, 0.0045%; no homozygotes.

Submission:

Labcorp Genetics (formerly Invitae), Labcorp
Classification: Uncertain significance for CHARGE syndrome. Last evaluated: 2022-09-13. Review status: criteria provided, single submitter. Criteria: Invitae Variant Classification Sherloc (09022015). Collection method: clinical testing. Allele origin: germline.
Comment: In summary, the available evidence is currently insufficient to determine the role of this variant in disease. Therefore, it has been classified as a Variant of Uncertain Significance. Advanced modeling of protein sequence and biophysical properties (such as structural, functional, and spatial information, amino acid conservation, physicochemical variation, residue mobility, and thermodynamic stability) performed at Invitae indicates that this missense variant is not expected to disrupt SEMA3E protein function. This variant has not been reported in the literature in individuals affected with SEMA3E-related conditions. This variant is present in population databases (rs773917768, gnomAD 0.006%). This sequence change replaces alanine, which is neutral and non-polar, with proline, which is neutral and non-polar, at codon 261 of the SEMA3E protein (p.Ala261Pro).